The following is an entry in ClinVar:

NM_025103.4(IFT74):c.1604A>T (p.Glu535Val)

Gene: IFT74 (intraflagellar transport 74; plus strand). Cytogenetic location: 9p21.2.
Variant type: single nucleotide variant.
Coding change: c.1604A>T on transcript NM_025103.4 (MANE Select); coding-DNA position 1604, A replaced by T.
Protein change: p.Glu535Val; replaces glutamic acid 535 with valine.
Molecular consequence: missense variant.
Genome position (GRCh38, 1-based): chr9:27,056,440, A>T. VCF-style: chr9-27056440-A-T. GRCh37 (hg19) VCF-style: chr9-27056438-A-T.
Other names: c.1604A>T, p.Glu535Val (NM_001099222.3, NM_001099223.3, NM_001349928.2); short protein forms E535V.
Identifiers: ClinVar variation 1463619 (VCV001463619.6), dbSNP rs2131704919, ClinGen allele CA373129115.

ClinVar aggregate classification (germline): Uncertain significance (1 of 4 stars; one submission).

Submission:

Labcorp Genetics (formerly Invitae), Labcorp
Classification: Uncertain significance. Last evaluated: 2021-10-04. Review status: criteria provided, single submitter. Criteria: Invitae Variant Classification Sherloc (09022015). Collection method: clinical testing. Allele origin: germline.
Comment: This variant is not present in population databases (ExAC no frequency). This variant has not been reported in the literature in individuals affected with IFT74-related conditions. Algorithms developed to predict the effect of missense changes on protein structure and function are either unavailable or do not agree on the potential impact of this missense change (SIFT: "Deleterious"; PolyPhen-2: "Probably Damaging"; Align-GVGD: "Class C0"). Algorithms developed to predict the effect of sequence changes on RNA splicing suggest that this variant may create or strengthen a splice site. In summary, the available evidence is currently insufficient to determine the role of this variant in disease. Therefore, it has been classified as a Variant of Uncertain Significance. This sequence change replaces glutamic acid with valine at codon 535 of the IFT74 protein (p.Glu535Val). The glutamic acid residue is moderately conserved and there is a moderate physicochemical difference between glutamic acid and valine.